The following is an entry in ClinVar:

ClinVar aggregate classification (germline): Uncertain significance. Review status: criteria provided, multiple submitters, no conflicts (2 of 4 stars). 2 submissions from 2 submitters: Uncertain significance (2). Last evaluated 2026-01-22.

Allele frequency attached by ClinVar (database versions not stated): gnomAD 0.00001; ExAC 0.00002; TOPMed 0.00002; ESP Exome Variant Server 0.00015.
gnomAD v4.1: 19 of 1,613,904 alleles (0.0012%); highest among the groups gnomAD compares: Non-Finnish European, 0.0014%; no homozygotes.

Submissions (2):

Labcorp Genetics (formerly Invitae), Labcorp
Classification: Uncertain significance. Last evaluated: 2026-01-22. Review status: criteria provided, single submitter. Criteria: Invitae Variant Classification Sherloc (09022015). Collection method: clinical testing. Allele origin: germline.
Comment: This sequence change replaces serine, which is neutral and polar, with threonine, which is neutral and polar, at codon 252 of the FBLN5 protein (p.Ser252Thr). This variant is present in population databases (rs370182440, gnomAD 0.003%). This variant has not been reported in the literature in individuals affected with FBLN5-related conditions. ClinVar contains an entry for this variant (Variation ID: 1474734). Invitae Evidence Modeling of protein sequence and biophysical properties (such as structural, functional, and spatial information, amino acid conservation, physicochemical variation, residue mobility, and thermodynamic stability) indicates that this missense variant is not expected to disrupt FBLN5 protein function with a negative predictive value of 80%. In summary, the available evidence is currently insufficient to determine the role of this variant in disease. Therefore, it has been classified as a Variant of Uncertain Significance.

CeGaT Center for Human Genetics Tuebingen
Classification: Uncertain significance. Last evaluated: 2023-08-01. Review status: criteria provided, single submitter. Criteria: CeGaT Center For Human Genetics Tuebingen Variant Classification Criteria Version 2. Collection method: clinical testing. Allele origin: germline. Affected: yes. Observed: 1 variant allele.
Comment: FBLN5: PM2, PP3

NM_006329.4(FBLN5):c.755G>C (p.Ser252Thr)

Gene: FBLN5 (fibulin 5; minus strand). Cytogenetic location: 14q32.12.
Variant type: single nucleotide variant.
Coding change: c.755G>C on transcript NM_006329.4 (MANE Select); coding-DNA position 755, G replaced by C.
Protein change: p.Ser252Thr; replaces serine 252 with threonine.
Molecular consequence: missense variant.
Genome position (GRCh38, 1-based): chr14:91,883,061, C>G on the plus strand (G>C on the coding strand, the complement: FBLN5 is on the minus strand). VCF-style: chr14-91883061-C-G. GRCh37 (hg19) VCF-style: chr14-92349405-C-G.
Other names: c.878G>C, p.Ser293Thr (NM_001384158.1); c.806G>C, p.Ser269Thr (NM_001384159.1); c.755G>C, p.Ser252Thr (NM_001384160.1); c.587G>C, p.Ser196Thr (NM_001384161.1, NM_001384162.1); short protein forms S269T, S293T, S252T, S196T.
Identifiers: ClinVar variation 1474734 (VCV001474734.33), dbSNP rs370182440, ClinGen allele CA7312735.